The following is an entry in ClinVar:

ClinVar aggregate classification (germline): Pathogenic (3 of 4 stars; one submission).

Conditions:
Hereditary thrombocytopenia and hematologic cancer predisposition syndrome. Identifiers: Orphanet 71290, MedGen CN281654, MONDO:0011071.

Submission:

ClinGen Myeloid Malignancy Variant Curation Expert Panel
Classification: Pathogenic for Hereditary thrombocytopenia and hematologic cancer predisposition syndrome. Last evaluated: 2023-12-09. Review status: reviewed by expert panel. Criteria: ClinGen MyeloMalig ACMG Specifications v2. Collection method: curation. Allele origin: germline. Inheritance: Autosomal dominant inheritance.
Comment: NC_000021.9:g.(?_34787801)_(35048958_?)del results in the complete absence of the coding sequence of the RUNX1 gene and therefore the absence of all functional domains. The deletion is not present in population databases. In summary, this variant meets criteria to be classified as pathogenic. ACMG/AMP criteria applied, as specified by the Myeloid Malignancy Variant Curation Expert Panel for RUNX1: PVS1, PM1 and PM2_supporting.

NC_000021.9:g.(?_34787801)_(35048958_?)del

Variant type: Deletion.
Identifiers: ClinVar variation 2665095 (VCV002665095.2).